The following is an entry in ClinVar:

ClinVar aggregate classification (germline): Benign. Review status: criteria provided, multiple submitters, no conflicts (2 of 4 stars). 5 submissions from 5 submitters: Benign (5). Last evaluated 2026-02-04.

Conditions:
Retinal cone dystrophy 4 (RCD4). Identifiers: Orphanet 1872, MedGen C1864849, MONDO:0012507, OMIM 610478.

Allele frequency attached by ClinVar (database versions not stated): ESP Exome Variant Server 0.09712; gnomAD 0.10702 and 0.10719; ExAC 0.11151; TOPMed 0.11484; 1000 Genomes Project 30x 0.12227; 1000 Genomes Project 0.12240.
gnomAD v4.1: 156,067 of 1,612,800 alleles (9.7%); highest among the groups gnomAD compares: Admixed American, 22%; 8,584 homozygotes.

Submissions (5):

Labcorp Genetics (formerly Invitae), Labcorp
Classification: Benign. Last evaluated: 2026-02-04. Review status: criteria provided, single submitter. Criteria: Invitae Variant Classification Sherloc (09022015). Collection method: clinical testing. Allele origin: germline.

Illumina Laboratory Services, Illumina
Classification: Benign for Retinal cone dystrophy 4. Last evaluated: 2018-01-12. Review status: criteria provided, single submitter. Criteria: ICSL Variant Classification Criteria 13 December 2019. Collection method: clinical testing. Allele origin: germline.
Comment: This variant was observed in the ICSL laboratory as part of a predisposition screen in an ostensibly healthy population. It had not been previously curated by ICSL or reported in the Human Gene Mutation Database (HGMD: prior to June 1st, 2018), and was therefore a candidate for classification through an automated scoring system. Utilizing variant allele frequency, disease prevalence and penetrance estimates, and inheritance mode, an automated score was calculated to assess if this variant is too frequent to cause the disease. Based on the score and internal cut-off values, a variant classified as benign is not then subjected to further curation. The score for this variant resulted in a classification of benign for this disease.

Eurofins Ntd Llc (ga)
Classification: Benign. Last evaluated: 2014-05-07. Review status: criteria provided, single submitter. Criteria: EGL Classification Definitions 2015. Collection method: clinical testing. Allele origin: germline. Observed: 1 variant allele, 1 heterozygote.

Breakthrough Genomics
Classification: Benign. Review status: criteria provided, single submitter. Criteria: ACMG Guidelines, 2015. Collection method: not provided. Allele origin: germline. Inheritance: Autosomal recessive inheritance. Affected: yes.

PreventionGenetics, part of Exact Sciences
Classification: Benign. Review status: criteria provided, single submitter. Criteria: ACMG Guidelines, 2015. Collection method: clinical testing. Allele origin: germline.

NM_172364.5(CACNA2D4):c.3330C>T (p.Gly1110=)

Gene: CACNA2D4 (calcium voltage-gated channel auxiliary subunit alpha2delta 4; minus strand). Cytogenetic location: 12p13.33.
Variant type: single nucleotide variant.
Coding change: c.3330C>T on transcript NM_172364.5 (MANE Select); coding-DNA position 3330, C replaced by T.
Protein change: p.Gly1110=; no amino-acid change (glycine 1110 retained).
Molecular consequence: synonymous variant.
Genome position (GRCh38, 1-based): chr12:1,793,739, G>A on the plus strand (C>T on the coding strand, the complement: CACNA2D4 is on the minus strand). VCF-style: chr12-1793739-G-A. GRCh37 (hg19) VCF-style: chr12-1902905-G-A.
Identifiers: ClinVar variation 197051 (VCV000197051.19), dbSNP rs33912216, ClinGen allele CA202676.